The following is an entry in ClinVar:

NM_138711.6(PPARG):c.1124T>C (p.Leu375Pro)

Gene: PPARG (peroxisome proliferator activated receptor gamma; plus strand). Cytogenetic location: 3p25.2.
Variant type: single nucleotide variant.
Coding change: c.1124T>C on transcript NM_138711.6 (MANE Select); coding-DNA position 1124, T replaced by C.
Protein change: p.Leu375Pro; replaces leucine 375 with proline.
Molecular consequence: missense variant. On other transcripts: intron variant (5).
Genome position (GRCh38, 1-based): chr3:12,417,098, T>C. VCF-style: chr3-12417098-T-C. GRCh37 (hg19) VCF-style: chr3-12458597-T-C.
Other names: p.Leu405Pro; c.1124T>C, p.Leu375Pro (NM_001354666.3, NM_001354667.3, NM_001374263.2 and 3 more transcripts); c.497T>C, p.Leu166Pro (NM_001354669.2); c.1214T>C, p.Leu405Pro (NM_015869.5); c.729+11017T>C (NM_001374261.3, NM_001374262.3, NM_001330615.4); c.653+11099T>C (NM_001374266.1); c.819+11017T>C (NM_001374265.1); short protein forms L166P, L375P, L405P.
Identifiers: ClinVar variation 1341578 (VCV001341578.2), dbSNP rs2125285337, ClinGen allele CA351619989.
Genomic context (GRCh38, chr3:12,417,098, plus strand): 5'-GAAAGCCTTTTGGTGACTTTATGGAGCCCAAGTTTGAGTTTGCTGTGAAGTTCAATGCAC[T>C]GGAATTAGATGACAGCGACTTGGCAATATTTATTGCTGTCATTATTCTCAGTGGAGGTAA-3'
Protein context (NP_619725.3, residues 365-385): KFEFAVKFNA[Leu375Pro]ELDDSDLAIF

ClinVar aggregate classification (germline): Likely pathogenic (1 of 4 stars; one submission).

Conditions:
PPARG-related familial partial lipodystrophy. Also called: LIPODYSTROPHY, FAMILIAL PARTIAL, ASSOCIATED WITH PPARG MUTATIONS. Identifiers: Orphanet 79083, MedGen C1720861, MONDO:0011448, OMIM 604367.

Submission:

Laboratory of Inherited Metabolic Diseases, Research centre for medical genetics
Classification: Likely pathogenic for PPARG-related familial partial lipodystrophy. Last evaluated: 2021-01-15. Review status: criteria provided, single submitter. Criteria: ACMG Guidelines, 2015. Collection method: clinical testing. Allele origin: unknown. Inheritance: Autosomal dominant inheritance. Affected: yes. Observed: 1 heterozygote.
Comment: variant confirmed by direct sequencing